The following is an entry in ClinVar:

ClinVar aggregate classification (germline): Likely pathogenic (1 of 4 stars; one submission).

Submission:

Labcorp Genetics (formerly Invitae), Labcorp
Classification: Likely pathogenic. Last evaluated: 2023-10-28. Review status: criteria provided, single submitter. Criteria: Invitae Variant Classification Sherloc (09022015). Collection method: clinical testing. Allele origin: germline.
Comment: This sequence change replaces alanine, which is neutral and non-polar, with proline, which is neutral and non-polar, at codon 387 of the TMPRSS3 protein (p.Ala387Pro). This variant is not present in population databases (gnomAD no frequency). This variant has not been reported in the literature in individuals affected with TMPRSS3-related conditions. Advanced modeling of protein sequence and biophysical properties (such as structural, functional, and spatial information, amino acid conservation, physicochemical variation, residue mobility, and thermodynamic stability) performed at Invitae indicates that this missense variant is expected to disrupt TMPRSS3 protein function with a positive predictive value of 95%. This variant disrupts the p.Ala387 amino acid residue in TMPRSS3. Other variant(s) that disrupt this residue have been determined to be pathogenic (PMID: 24130743, 25770132). This suggests that this residue is clinically significant, and that variants that disrupt this residue are likely to be disease-causing. In summary, the currently available evidence indicates that the variant is pathogenic, but additional data are needed to prove that conclusively. Therefore, this variant has been classified as Likely Pathogenic.

Literature cited by the submitters: PubMed 24130743; PubMed 25770132.

NM_001256317.3(TMPRSS3):c.1156G>C (p.Ala386Pro)

Gene: TMPRSS3 (transmembrane serine protease 3; minus strand). Cytogenetic location: 21q22.3.
Variant type: single nucleotide variant.
Coding change: c.1156G>C on transcript NM_001256317.3 (MANE Select); coding-DNA position 1156, G replaced by C.
Protein change: p.Ala386Pro; replaces alanine 386 with proline.
Molecular consequence: missense variant.
Genome position (GRCh38, 1-based): chr21:42,376,576, C>G on the plus strand (G>C on the coding strand, the complement: TMPRSS3 is on the minus strand). VCF-style: chr21-42376576-C-G. GRCh37 (hg19) VCF-style: chr21-43796685-C-G.
Other names: c.1159G>C, p.Ala387Pro (NM_024022.4); c.778G>C, p.Ala260Pro (NM_032404.3); short protein forms A386P, A387P, A260P.
Identifiers: ClinVar variation 2772340 (VCV002772340.3), dbSNP rs781376204, ClinGen allele CA410369135.